The following is an entry in ClinVar:

ClinVar aggregate classification (germline): Likely benign (1 of 4 stars; one submission).

Submission:

CeGaT Center for Human Genetics Tuebingen
Classification: Likely benign. Last evaluated: 2025-04-01. Review status: criteria provided, single submitter. Criteria: CeGaT Center For Human Genetics Tuebingen Variant Classification Criteria Version 2. Collection method: clinical testing. Allele origin: germline. Affected: yes. Observed: 1 variant allele.
Comment: KRTAP4-12: BP4, BP7

NM_031854.3(KRTAP4-12):c.141G>A (p.Arg47=)

Gene: KRTAP4-12 (keratin associated protein 4-12; minus strand). Cytogenetic location: 17q21.2.
Variant type: single nucleotide variant.
Coding change: c.141G>A on transcript NM_031854.3 (MANE Select); coding-DNA position 141, G replaced by A.
Protein change: p.Arg47=; no amino-acid change (arginine 47 retained).
Molecular consequence: synonymous variant.
Genome position (GRCh38, 1-based): chr17:41,123,982, C>T on the plus strand (G>A on the coding strand, the complement: KRTAP4-12 is on the minus strand). VCF-style: chr17-41123982-C-T. GRCh37 (hg19) VCF-style: chr17-39280234-C-T.
Identifiers: ClinVar variation 3898109 (VCV003898109.7).